The following is an entry in ClinVar:

NM_153717.3(EVC):c.769C>T (p.Leu257=)

Gene: EVC (EvC ciliary complex subunit 1; plus strand). Cytogenetic location: 4p16.2.
Variant type: single nucleotide variant.
Coding change: c.769C>T on transcript NM_153717.3 (MANE Select); coding-DNA position 769, C replaced by T.
Protein change: p.Leu257=; no amino-acid change (leucine 257 retained).
Molecular consequence: synonymous variant.
Genome position (GRCh38, 1-based): chr4:5,741,782, C>T. VCF-style: chr4-5741782-C-T. GRCh37 (hg19) VCF-style: chr4-5743509-C-T.
Other names: c.769C>T, p.Leu257= (NM_001306090.2, NM_001306092.2).
Identifiers: ClinVar variation 198281 (VCV000198281.32), dbSNP rs6446393, ClinGen allele CA203344.
Genomic context (GRCh38, chr4:5,741,782, plus strand): 5'-ATTCAGATTTTTAAAATGTGCCTCCTTGACCTTCTTCCTAAAAAGAAGTCAGATGATGAA[C>T]TATACCAGAAGATCCTTTCAAAACAAGAAAAAGTAAGTCTTCAACCTATGTTTCAAGGTA-3'
Protein context (NP_714928.1, residues 247-267): LLPKKKSDDE[Leu257=]YQKILSKQEK

ClinVar aggregate classification (germline): Benign. Review status: criteria provided, multiple submitters, no conflicts (2 of 4 stars). 14 submissions from 13 submitters: Benign (11). 3 of the submissions do not count toward it. Last evaluated 2026-05-08.

Conditions:
Curry-Hall syndrome (WAD). Also called: WEYERS ACRODENTAL DYSOSTOSIS. Identifiers: Orphanet 952, MedGen C0457013, MONDO:0008673, OMIM 193530.
Ellis-van Creveld syndrome (EVC). Also called: Chondroectodermal dysplasia; MESOECTODERMAL DYSPLASIA. Identifiers: Orphanet 289, MedGen C0013903, MONDO:0009162, OMIM 225500.

Allele frequency attached by ClinVar (database versions not stated): gnomAD 0.95535 and 0.95639; TOPMed 0.96021; 1000 Genomes Project 0.96665; 1000 Genomes Project 30x 0.96705; ExAC 0.94562; gnomAD exomes 0.94822 and 0.93873; ESP Exome Variant Server 0.95490.

Submissions (14):

Women's Health and Genetics/Laboratory Corporation of America, LabCorp
Classification: Benign. Last evaluated: 2026-05-08. Review status: criteria provided, single submitter. Criteria: LabCorp Variant Classification Summary - May 2015. Collection method: clinical testing. Allele origin: germline.

Labcorp Genetics (formerly Invitae), Labcorp
Classification: Benign for Curry-Hall syndrome; Ellis-van Creveld syndrome. Last evaluated: 2026-02-04. Review status: criteria provided, single submitter. Criteria: Invitae Variant Classification Sherloc (09022015). Collection method: clinical testing. Allele origin: germline.

Blueprint Genetics
Classification: Benign. Last evaluated: 2024-11-26. Review status: criteria provided, single submitter. Criteria: ACMG Guidelines, 2015. Collection method: clinical testing. Allele origin: germline.

Genome-Nilou Lab
Classification: Benign for Curry-Hall syndrome. Last evaluated: 2021-07-30. Review status: criteria provided, single submitter. Criteria: ACMG Guidelines, 2015. Collection method: clinical testing. Allele origin: germline. Affected: no.

Genome-Nilou Lab
Classification: Benign for Ellis-van Creveld syndrome. Last evaluated: 2021-07-30. Review status: criteria provided, single submitter. Criteria: ACMG Guidelines, 2015. Collection method: clinical testing. Allele origin: germline. Affected: no.

Pars Genome Lab
Classification: Benign for Ellis-van Creveld syndrome. Last evaluated: 2021-06-15. Review status: criteria provided, single submitter. Criteria: ACMG Guidelines, 2015. Collection method: clinical testing. Allele origin: germline. Affected: no.

Illumina Laboratory Services, Illumina
Classification: Benign for Ellis-van Creveld syndrome. Last evaluated: 2018-01-12. Review status: criteria provided, single submitter. Criteria: ICSL Variant Classification Criteria 13 December 2019. Collection method: clinical testing. Allele origin: germline.
Comment: This variant was observed in the ICSL laboratory as part of a predisposition screen in an ostensibly healthy population. It had not been previously curated by ICSL or reported in the Human Gene Mutation Database (HGMD: prior to June 1st, 2018), and was therefore a candidate for classification through an automated scoring system. Utilizing variant allele frequency, disease prevalence and penetrance estimates, and inheritance mode, an automated score was calculated to assess if this variant is too frequent to cause the disease. Based on the score and internal cut-off values, a variant classified as benign is not then subjected to further curation. The score for this variant resulted in a classification of benign for this disease.

GeneDx
Classification: Benign. Last evaluated: 2016-03-03. Review status: criteria provided, single submitter. Criteria: GeneDx Variant Classification (06012015). Collection method: clinical testing. Allele origin: germline. Affected: yes.
Comment: This variant is considered likely benign or benign based on one or more of the following criteria: it is a conservative change, it occurs at a poorly conserved position in the protein, it is predicted to be benign by multiple in silico algorithms, and/or has population frequency not consistent with disease.

Eurofins Ntd Llc (ga)
Classification: Benign. Last evaluated: 2015-05-20. Review status: criteria provided, single submitter. Criteria: EGL Classification Definitions 2015. Collection method: clinical testing. Allele origin: germline. Observed: 1 variant allele, 1 heterozygote.

Breakthrough Genomics
Classification: Benign. Review status: criteria provided, single submitter. Criteria: ACMG Guidelines, 2015. Collection method: not provided. Allele origin: germline. Inheritance: Autosomal recessive inheritance. Affected: yes.

PreventionGenetics, part of Exact Sciences
Classification: Benign. Review status: criteria provided, single submitter. Criteria: ACMG Guidelines, 2015. Collection method: clinical testing. Allele origin: germline.

Natera, Inc.
Classification: Benign for Ellis-van Creveld syndrome. Last evaluated: 2020-09-16. Review status: no assertion criteria provided. Collection method: clinical testing. Allele origin: germline. Not counted in ClinVar's aggregate classification.

Diagnostic Laboratory, Department of Genetics, University Medical Center Groningen
Classification: Benign. Review status: no assertion criteria provided. Collection method: clinical testing. Allele origin: germline. Affected: yes. Study: VKGL Data-share Consensus. Not counted in ClinVar's aggregate classification.

Joint Genome Diagnostic Labs from Nijmegen and Maastricht, Radboudumc and MUMC+
Classification: Benign. Review status: no assertion criteria provided. Collection method: clinical testing. Allele origin: germline. Affected: yes. Study: VKGL Data-share Consensus. Not counted in ClinVar's aggregate classification.